The following is an entry in ClinVar:

ClinVar aggregate classification (germline): Conflicting classifications of pathogenicity. Review status: criteria provided, conflicting classifications (1 of 4 stars). 10 submissions from 6 submitters: Uncertain significance (4); Benign (2); Likely benign (3). 1 of the submissions does not count toward it. Last evaluated 2025-12-16.

Conditions:
TTN-related disorder. Also called: TTN-related condition; TTN-related disease; TTN-related disorders.
Dilated cardiomyopathy 1G (CMD1G). Identifiers: Orphanet 154, MedGen C1858763, MONDO:0011400, OMIM 604145.
Autosomal recessive limb-girdle muscular dystrophy type 2J (LGMDR10). Also called: MUSCULAR DYSTROPHY, LIMB-GIRDLE, AUTOSOMAL RECESSIVE 10; Limb-girdle muscular dystrophy, type 2J. Identifiers: Orphanet 140922, MedGen C1837342, MONDO:0012127, OMIM 608807.
Early-onset myopathy with fatal cardiomyopathy (CMYO5). Also called: CONGENITAL MYOPATHY 5 WITH CARDIOMYOPATHY; Salih Myopathy. Identifiers: Orphanet 289377, MedGen C2673677, MONDO:0012714, OMIM 611705. Disease mechanism: loss of function.
Myopathy, myofibrillar, 9, with early respiratory failure (MFM9). Also called: EDSTROM MYOPATHY; MYOPATHY, PROXIMAL, WITH EARLY RESPIRATORY MUSCLE INVOLVEMENT; Myopathy, distal, with early respiratory failure, autosomal dominant; Hereditary myopathy with early respiratory failure. Identifiers: Orphanet 178464, Orphanet 34521, MedGen C1863599, MONDO:0011362, OMIM 603689.
Tibial muscular dystrophy (TMD). Also called: UDD MYOPATHY; Tibial muscular dystrophy, tardive; Udd Distal Myopathy – Tibial Muscular Dystrophy. Identifiers: Orphanet 609, MedGen C1838244, MONDO:0010870, OMIM 600334.

Allele frequency attached by ClinVar (database versions not stated): TOPMed 0.00007; ExAC 0.00021.
gnomAD v4.1: 64 of 1,612,600 alleles (0.004%); highest among the groups gnomAD compares: Admixed American, 0.1%; no homozygotes.

Submissions (10):

Labcorp Genetics (formerly Invitae), Labcorp
Classification: Likely benign for Dilated cardiomyopathy 1G; Autosomal recessive limb-girdle muscular dystrophy type 2J. Last evaluated: 2025-12-16. Review status: criteria provided, single submitter. Criteria: Invitae Variant Classification Sherloc (09022015). Collection method: clinical testing. Allele origin: germline.

Women's Health and Genetics/Laboratory Corporation of America, LabCorp
Classification: Likely benign. Last evaluated: 2025-04-07. Review status: criteria provided, single submitter. Criteria: LabCorp Variant Classification Summary - May 2015. Collection method: clinical testing. Allele origin: germline.
Comment: Variant summary: TTN c.35246G>C (p.Arg11749Pro) results in a non-conservative amino acid change located in the I-band region of the encoded protein sequence. Three of four in-silico tools predict a damaging effect of the variant on protein function. The variant allele was found at a frequency of 0.00022 in 247928 control chromosomes, predominantly at a frequency of 0.0016 within the Latino subpopulation in the gnomAD database. The observed variant frequency within Latino control individuals in the gnomAD database is approximately 4-fold of the estimated maximal expected allele frequency for a pathogenic variant in TTN causing Dilated Cardiomyopathy phenotype (0.00039). To our knowledge, no occurrence of c.35246G>C in individuals affected with Dilated Cardiomyopathy and no experimental evidence demonstrating its impact on protein function have been reported. ClinVar contains an entry for this variant (Variation ID: 202628). Based on the evidence outlined above, the variant was classified as likely benign.

Revvity Omics, Revvity
Classification: Uncertain significance. Last evaluated: 2024-02-05. Review status: criteria provided, single submitter. Criteria: ACMG Guidelines, 2015. Collection method: clinical testing. Allele origin: germline.

GeneDx
Classification: Likely benign. Last evaluated: 2018-10-04. Review status: criteria provided, single submitter. Criteria: GeneDx Variant Classification Process June 2021. Collection method: clinical testing. Allele origin: germline. Affected: yes.

Illumina Laboratory Services, Illumina
Classification: Uncertain significance for Dilated cardiomyopathy 1G. Last evaluated: 2018-01-13. Review status: criteria provided, single submitter. Criteria: ICSL Variant Classification Criteria 13 December 2019. Collection method: clinical testing. Allele origin: germline.

Illumina Laboratory Services, Illumina
Classification: Uncertain significance for Autosomal recessive limb-girdle muscular dystrophy type 2J. Last evaluated: 2018-01-13. Review status: criteria provided, single submitter. Criteria: ICSL Variant Classification Criteria 13 December 2019. Collection method: clinical testing. Allele origin: germline.

Illumina Laboratory Services, Illumina
Classification: Uncertain significance for Early-onset myopathy with fatal cardiomyopathy. Last evaluated: 2018-01-13. Review status: criteria provided, single submitter. Criteria: ICSL Variant Classification Criteria 13 December 2019. Collection method: clinical testing. Allele origin: germline.

Illumina Laboratory Services, Illumina
Classification: Benign for Tibial muscular dystrophy. Last evaluated: 2018-01-13. Review status: criteria provided, single submitter. Criteria: ICSL Variant Classification Criteria 13 December 2019. Collection method: clinical testing. Allele origin: germline.
Comment: This variant was observed in the ICSL laboratory as part of a predisposition screen in an ostensibly healthy population. It had not been previously curated by ICSL or reported in the Human Gene Mutation Database (HGMD: prior to June 1st, 2018), and was therefore a candidate for classification through an automated scoring system. Utilizing variant allele frequency, disease prevalence and penetrance estimates, and inheritance mode, an automated score was calculated to assess if this variant is too frequent to cause the disease. Based on the score and internal cut-off values, a variant classified as benign is not then subjected to further curation. The score for this variant resulted in a classification of benign for this disease.

Illumina Laboratory Services, Illumina
Classification: Benign for Myopathy, myofibrillar, 9, with early respiratory failure. Last evaluated: 2018-01-13. Review status: criteria provided, single submitter. Criteria: ICSL Variant Classification Criteria 13 December 2019. Collection method: clinical testing. Allele origin: germline.
Comment: the same text as in the submission from Illumina Laboratory Services, Illumina above.

PreventionGenetics, part of Exact Sciences
Classification: Uncertain significance for TTN-related condition. Last evaluated: 2024-06-08. Review status: no assertion criteria provided. Collection method: clinical testing. Allele origin: germline. Not counted in ClinVar's aggregate classification.
Comment: The TTN c.42950G>C variant is predicted to result in the amino acid substitution p.Arg14317Pro. To our knowledge, this variant has not been reported in the literature. This variant is reported in 0.16% of alleles in individuals of Latino descent in gnomAD. At this time, the clinical significance of this variant is uncertain due to the absence of conclusive functional and genetic evidence.

NM_001267550.2(TTN):c.42950G>C (p.Arg14317Pro)

Gene: TTN (titin; minus strand). Cytogenetic location: 2q31.2.
Variant type: single nucleotide variant.
Coding change: c.42950G>C on transcript NM_001267550.2 (MANE Select); coding-DNA position 42950, G replaced by C.
Protein change: p.Arg14317Pro; replaces arginine 14317 with proline.
Molecular consequence: missense variant.
Genome position (GRCh38, 1-based): chr2:178,633,323, C>G on the plus strand (G>C on the coding strand, the complement: TTN is on the minus strand). VCF-style: chr2-178633323-C-G. GRCh37 (hg19) VCF-style: chr2-179498050-C-G.
Other names: p.R12676P:CGA>CCA; c.38027G>C, p.Arg12676Pro (NM_001256850.1); c.15755G>C, p.Arg5252Pro (NM_003319.4); c.35246G>C, p.Arg11749Pro (NM_133378.4); c.16130G>C, p.Arg5377Pro (NM_133432.3); c.16331G>C, p.Arg5444Pro (NM_133437.4); short protein forms R12676P, R14317P, R11749P, R5252P, R5377P, R5444P.
Identifiers: ClinVar variation 202628 (VCV000202628.22), dbSNP rs727505144, ClinGen allele CA309802.